The following is an entry in ClinVar:

NM_182961.4(SYNE1):c.22241A>G (p.Asn7414Ser)

Gene: SYNE1 (spectrin repeat containing nuclear envelope protein 1; minus strand). Cytogenetic location: 6q25.2.
Variant type: single nucleotide variant.
Coding change: c.22241A>G on transcript NM_182961.4 (MANE Select); coding-DNA position 22241, A replaced by G.
Protein change: p.Asn7414Ser; replaces asparagine 7414 with serine.
Molecular consequence: missense variant.
Genome position (GRCh38, 1-based): chr6:152,215,011, T>C on the plus strand (A>G on the coding strand, the complement: SYNE1 is on the minus strand). VCF-style: chr6-152215011-T-C. GRCh37 (hg19) VCF-style: chr6-152536146-T-C.
Other names: c.22028A>G, p.Asn7343Ser (NM_033071.5); short protein forms N7414S, N7343S.
Identifiers: ClinVar variation 954277 (VCV000954277.9), dbSNP rs760439015, ClinGen allele CA366101190.

ClinVar aggregate classification (germline): Uncertain significance (1 of 4 stars; one submission).

Conditions:
Autosomal recessive ataxia, Beauce type. Also called: Spinocerebellar ataxia, autosomal recessive 8; ATAXIA, RECESSIVE, OF BEAUCE; SYNE1-Related Autosomal Recessive Cerebellar Ataxia; SYNE1 Deficiency. Identifiers: Orphanet 88644, MedGen C1853116, MONDO:0012549, OMIM 610743.
Emery-Dreifuss muscular dystrophy 4, autosomal dominant (EDMD4). Also called: EMERY-DREIFUSS MUSCULAR DYSTROPHY 4 WITH VARIABLE FEATURES. Identifiers: Orphanet 261, MedGen C2751807, MONDO:0013071, OMIM 612998.

Allele frequency attached by ClinVar (database versions not stated): TOPMed below 0.00001.
gnomAD v4.1: 1 of 1,614,126 alleles (0.000062%); highest among the groups gnomAD compares: South Asian, 0.0011%; no homozygotes.

Submission:

Labcorp Genetics (formerly Invitae), Labcorp
Classification: Uncertain significance for Emery-Dreifuss muscular dystrophy 4, autosomal dominant; Autosomal recessive ataxia, Beauce type. Last evaluated: 2021-01-28. Review status: criteria provided, single submitter. Criteria: Invitae Variant Classification Sherloc (09022015). Collection method: clinical testing. Allele origin: germline.
Comment: Algorithms developed to predict the effect of sequence changes on RNA splicing suggest that this variant may create or strengthen a splice site, but this prediction has not been confirmed by published transcriptional studies. This sequence change replaces asparagine with serine at codon 7343 of the SYNE1 protein (p.Asn7343Ser). The asparagine residue is highly conserved and there is a small physicochemical difference between asparagine and serine. This variant is not present in population databases (ExAC no frequency). This variant has not been reported in the literature in individuals with SYNE1-related conditions. Algorithms developed to predict the effect of missense changes on protein structure and function (SIFT, PolyPhen-2, Align-GVGD) all suggest that this variant is likely to be disruptive, but these predictions have not been confirmed by published functional studies and their clinical significance is uncertain. In summary, the available evidence is currently insufficient to determine the role of this variant in disease. Therefore, it has been classified as a Variant of Uncertain Significance.